The following is an entry in ClinVar:

ClinVar aggregate classification (germline): Likely benign. Review status: criteria provided, multiple submitters, no conflicts (2 of 4 stars). 7 submissions from 7 submitters: Likely benign (7). Last evaluated 2026-07-01.

Conditions:
Hypertrophic cardiomyopathy. Also called: HYPERTROPHIC MYOCARDIOPATHY. Identifiers: Orphanet 217569, MedGen C0007194, MeSH D002312, MONDO:0005045, HP:0001639.
Cardiovascular phenotype. Identifiers: MedGen CN230736.
Cardiomyopathy (CMYO). Also called: Cardiomyopathies. Identifiers: Orphanet 167848, MedGen C0878544, MONDO:0004994, HP:0001638. Inheritance: Various modes of inheritance.

Allele frequency attached by ClinVar (database versions not stated): TOPMed 0.00003; ESP Exome Variant Server 0.00008.
gnomAD v4.1: 23 of 1,613,974 alleles (0.0014%); highest among the groups gnomAD compares: African/African-American, 0.0053%; no homozygotes.

Submissions (7):

CeGaT Center for Human Genetics Tuebingen
Classification: Likely benign. Last evaluated: 2026-07-01. Review status: criteria provided, single submitter. Criteria: CeGaT Center For Human Genetics Tuebingen Variant Classification Criteria Version 2. Collection method: clinical testing. Allele origin: germline. Affected: yes. Observed: 1 variant allele.
Comment: MYH7: BP4, BP7

Labcorp Genetics (formerly Invitae), Labcorp
Classification: Likely benign for Hypertrophic cardiomyopathy. Last evaluated: 2025-12-10. Review status: criteria provided, single submitter. Criteria: Invitae Variant Classification Sherloc (09022015). Collection method: clinical testing. Allele origin: germline.

All of Us Research Program, National Institutes of Health
Classification: Likely benign for Cardiomyopathy. Last evaluated: 2024-02-05. Review status: criteria provided, single submitter. Criteria: ACMG Guidelines, 2015. Collection method: clinical testing. Allele origin: germline. Inheritance: Autosomal dominant inheritance. Observed: 3 variant alleles, 3 heterozygotes.
Comment: This study involves interpretation of variants in research participants for the purpose of population health screening. Participant phenotype was not available at the time of variant classification. Additional details can be found in publication PMID: 35346344, PMCID: PMC8962531

CHEO Genetics Diagnostic Laboratory, Children's Hospital of Eastern Ontario
Classification: Likely benign for Cardiomyopathy. Last evaluated: 2021-10-26. Review status: criteria provided, single submitter. Criteria: ACMG Guidelines, 2015. Collection method: clinical testing. Allele origin: germline.

Ambry Genetics
Classification: Likely benign for Cardiovascular phenotype. Last evaluated: 2020-03-20. Review status: criteria provided, single submitter. Criteria: Ambry Variant Classification Scheme 2023. Collection method: clinical testing. Allele origin: germline.

Color Diagnostics, LLC DBA Color Health
Classification: Likely benign for Cardiomyopathy. Last evaluated: 2018-12-04. Review status: criteria provided, single submitter. Criteria: ACMG Guidelines, 2015. Collection method: clinical testing. Allele origin: germline.

GeneDx
Classification: Likely benign. Last evaluated: 2017-07-26. Review status: criteria provided, single submitter. Criteria: GeneDx Variant Classification (06012015). Collection method: clinical testing. Allele origin: germline. Affected: yes.
Comment: This variant is considered likely benign or benign based on one or more of the following criteria: it is a conservative change, it occurs at a poorly conserved position in the protein, it is predicted to be benign by multiple in silico algorithms, and/or has population frequency not consistent with disease.

NM_000257.4(MYH7):c.396G>A (p.Pro132=)

Gene: MYH7 (myosin heavy chain 7; minus strand). Cytogenetic location: 14q11.2.
Variant type: single nucleotide variant.
Coding change: c.396G>A on transcript NM_000257.4 (MANE Select); coding-DNA position 396, G replaced by A.
Protein change: p.Pro132=; no amino-acid change (proline 132 retained).
Molecular consequence: synonymous variant.
Genome position (GRCh38, 1-based): chr14:23,432,745, C>T on the plus strand (G>A on the coding strand, the complement: MYH7 is on the minus strand). VCF-style: chr14-23432745-C-T. GRCh37 (hg19) VCF-style: chr14-23901954-C-T.
Other names: c.396G>A (LRG_384t1).
Identifiers: ClinVar variation 385725 (VCV000385725.15), dbSNP rs138932714, ClinGen allele CA039531.
Genomic context (GRCh38, chr14:23,432,745, plus strand): 5'-GGGCGGGGCCTCGCTCCTCTTCTTGCCCCGGTAGGCAGCCACCACCTCAGGAGTGTACAC[C>T]GGCAGCCACTTGTAAGGGTTGACGGTGACACAGAAGAGGCCCGAGTAGGTCTGGGGATAG-3'
Protein context (NP_000248.2, residues 122-142): CVTVNPYKWL[Pro132=]VYTPEVVAAY